The following is an entry in ClinVar:

NM_001375808.2(LPIN2):c.2686T>A (p.Ser896Thr)

Gene: LPIN2 (lipin 2; minus strand). Cytogenetic location: 18p11.31.
Variant type: single nucleotide variant.
Coding change: c.2686T>A on transcript NM_001375808.2 (MANE Select); coding-DNA position 2686, T replaced by A.
Protein change: p.Ser896Thr; replaces serine 896 with threonine.
Molecular consequence: missense variant.
Genome position (GRCh38, 1-based): chr18:2,920,298, A>T on the plus strand (T>A on the coding strand, the complement: LPIN2 is on the minus strand). VCF-style: chr18-2920298-A-T. GRCh37 (hg19) VCF-style: chr18-2920296-A-T.
Other names: c.2686T>A, p.Ser896Thr (NM_001375809.1, NM_014646.2); short protein forms S896T.
Identifiers: ClinVar variation 2133526 (VCV002133526.1), dbSNP rs1291536395, ClinGen allele CA401693685.

ClinVar aggregate classification (germline): Uncertain significance (1 of 4 stars; one submission).

Conditions:
Majeed syndrome (MJDS). Also called: CHRONIC RECURRENT MULTIFOCAL OSTEOMYELITIS 1, WITH CONGENITAL DYSERYTHROPOIETIC ANEMIA, WITH OR WITHOUT NEUTROPHILIC DERMATOSIS; LPIN2-Related Majeed Syndrome. Identifiers: Orphanet 77297, MedGen C1864997, MONDO:0012316, OMIM 609628.

Allele frequency attached by ClinVar (database versions not stated): TOPMed below 0.00001; gnomAD 0.00001; gnomAD exomes 0.00002.
gnomAD v4.1: 30 of 1,614,000 alleles (0.0019%); highest among the groups gnomAD compares: East Asian, 0.067%; no homozygotes.

Submission:

Labcorp Genetics (formerly Invitae), Labcorp
Classification: Uncertain significance for Majeed syndrome. Last evaluated: 2022-05-04. Review status: criteria provided, single submitter. Criteria: Invitae Variant Classification Sherloc (09022015). Collection method: clinical testing. Allele origin: germline.
Comment: This sequence change replaces serine, which is neutral and polar, with threonine, which is neutral and polar, at codon 896 of the LPIN2 protein (p.Ser896Thr). This variant is not present in population databases (gnomAD no frequency). This variant has not been reported in the literature in individuals affected with LPIN2-related conditions. Algorithms developed to predict the effect of missense changes on protein structure and function (SIFT, PolyPhen-2, Align-GVGD) all suggest that this variant is likely to be tolerated. In summary, the available evidence is currently insufficient to determine the role of this variant in disease. Therefore, it has been classified as a Variant of Uncertain Significance.